The following is an entry in ClinVar:

NM_021160.3(ABHD16A):c.1448-4C>G

Gene: ABHD16A (abhydrolase domain containing 16A, phospholipase; minus strand). Cytogenetic location: 6p21.33.
Variant type: single nucleotide variant.
Coding change: c.1448-4C>G on transcript NM_021160.3 (MANE Select); 4 bases into the intron before coding-DNA position 1448, C replaced by G.
Molecular consequence: intron variant.
Genome position (GRCh38, 1-based): chr6:31,687,744, G>C on the plus strand (C>G on the coding strand, the complement: ABHD16A is on the minus strand). VCF-style: chr6-31687744-G-C. GRCh37 (hg19) VCF-style: chr6-31655521-G-C.
Other names: c.1349-4C>G (NM_001177515.2).
Identifiers: ClinVar variation 2264286 (VCV002264286.2), dbSNP rs370370622, ClinGen allele CA3719110.
Genomic context (GRCh38, chr6:31,687,744, plus strand): 5'-AGCGGAGGACAGACAGACACCAGTCCTCTTCCACCTCCCATCGGCTATAAATTGAGGCTG[G>C]TCAGGGAGAGAGATGACAGCCAGTCAGCAACCTGACCTTGCTGGGCCCCCGCCCCAAGCC-3'

ClinVar aggregate classification (germline): Uncertain significance (1 of 4 stars; one submission).

Conditions:
Inborn genetic diseases. Identifiers: MedGen C0950123, MeSH D030342.

Allele frequency attached by ClinVar (database versions not stated): ExAC 0.00001; gnomAD exomes 0.00001; gnomAD 0.00009; TOPMed 0.00009; 1000 Genomes Project 30x 0.00016; 1000 Genomes Project 0.00020; ESP Exome Variant Server 0.00036.
gnomAD v4.1: 31 of 1,612,844 alleles (0.0019%); highest among the groups gnomAD compares: African/African-American, 0.039%; no homozygotes.

Submission:

Ambry Genetics
Classification: Uncertain significance for Inborn genetic diseases. Last evaluated: 2022-06-17. Review status: criteria provided, single submitter. Criteria: Ambry Variant Classification Scheme 2023. Collection method: clinical testing. Allele origin: germline.
Comment: The c.1448-4C>G intronic alteration consists of a C to G substitution 4 nucleotides before exon 18 of the ABHD16A gene. Based on insufficient or conflicting evidence, the clinical significance of this alteration remains unclear.